The following is an entry in ClinVar:

NM_004525.3(LRP2):c.7918A>G (p.Ile2640Val)

Gene: LRP2 (LDL receptor related protein 2; minus strand). Cytogenetic location: 2q31.1.
Variant type: single nucleotide variant.
Coding change: c.7918A>G on transcript NM_004525.3 (MANE Select); coding-DNA position 7918, A replaced by G.
Protein change: p.Ile2640Val; replaces isoleucine 2640 with valine.
Molecular consequence: missense variant.
Genome position (GRCh38, 1-based): chr2:169,204,069, T>C on the plus strand (A>G on the coding strand, the complement: LRP2 is on the minus strand). VCF-style: chr2-169204069-T-C. GRCh37 (hg19) VCF-style: chr2-170060579-T-C.
Other names: short protein forms I2640V.
Identifiers: ClinVar variation 789970 (VCV000789970.36), dbSNP rs34026778, ClinGen allele CA1953981.

ClinVar aggregate classification (germline): Benign/Likely benign. Review status: criteria provided, multiple submitters, no conflicts (2 of 4 stars). 4 submissions from 4 submitters: Benign (3); Likely benign (1). Last evaluated 2026-02-02.

Allele frequency attached by ClinVar (database versions not stated): gnomAD exomes 0.00035 and 0.00078; ExAC 0.00095; 1000 Genomes Project 30x 0.00312; gnomAD 0.00331 and 0.00362; 1000 Genomes Project 0.00339; TOPMed 0.00388; ESP Exome Variant Server 0.00408.

Submissions (4):

Labcorp Genetics (formerly Invitae), Labcorp
Classification: Benign. Last evaluated: 2026-02-02. Review status: criteria provided, single submitter. Criteria: Invitae Variant Classification Sherloc (09022015). Collection method: clinical testing. Allele origin: germline.

Blueprint Genetics
Classification: Likely benign. Last evaluated: 2024-06-25. Review status: criteria provided, single submitter. Criteria: ACMG Guidelines, 2015. Collection method: clinical testing. Allele origin: germline.

CeGaT Center for Human Genetics Tuebingen
Classification: Benign. Last evaluated: 2023-09-01. Review status: criteria provided, single submitter. Criteria: CeGaT Center For Human Genetics Tuebingen Variant Classification Criteria Version 2. Collection method: clinical testing. Allele origin: germline. Affected: yes. Observed: 3 variant alleles.
Comment: LRP2: BS1, BS2

Breakthrough Genomics
Classification: Benign. Review status: criteria provided, single submitter. Criteria: ACMG Guidelines, 2015. Collection method: not provided. Allele origin: germline. Inheritance: Autosomal recessive inheritance. Affected: yes.